The following is an entry in ClinVar:

ClinVar aggregate classification (germline): Benign (1 of 4 stars; one submission).

Conditions:
Erythrocyte AMP deaminase deficiency. Identifiers: Orphanet 45, MedGen C2752073, OMIM 612874, MONDO:0020734.

Allele frequency attached by ClinVar (database versions not stated): gnomAD 0.07160 and 0.06605; 1000 Genomes Project 30x 0.11430; gnomAD exomes 0.05828; 1000 Genomes Project 0.11641; TOPMed 0.07125.
gnomAD v4.1: 59,972 of 985,268 alleles (6.1%); highest among the groups gnomAD compares: South Asian, 22%; 2,294 homozygotes.

Submission:

Illumina Laboratory Services, Illumina
Classification: Benign for Erythrocyte AMP deaminase deficiency. Last evaluated: 2018-01-13. Review status: criteria provided, single submitter. Criteria: ICSL Variant Classification Criteria 13 December 2019. Collection method: clinical testing. Allele origin: germline.
Comment: This variant was observed in the ICSL laboratory as part of a predisposition screen in an ostensibly healthy population. It had not been previously curated by ICSL or reported in the Human Gene Mutation Database (HGMD: prior to June 1st, 2018), and was therefore a candidate for classification through an automated scoring system. Utilizing variant allele frequency, disease prevalence and penetrance estimates, and inheritance mode, an automated score was calculated to assess if this variant is too frequent to cause the disease. Based on the score and internal cut-off values, a variant classified as benign is not then subjected to further curation. The score for this variant resulted in a classification of benign for this disease.

NM_001025389.1(AMPD3):c.-303C>T

Gene: AMPD3 (adenosine monophosphate deaminase 3; plus strand). Cytogenetic location: 11p15.4.
Variant type: single nucleotide variant.
Coding change: c.-303C>T on transcript NM_001025389.1; 303 bases upstream of the start codon, C replaced by T.
Molecular consequence: intron variant (on NM_001172431.2).
Genome position (GRCh38, 1-based): chr11:10,455,151, C>T. VCF-style: chr11-10455151-C-T. GRCh37 (hg19) VCF-style: chr11-10476698-C-T.
Other names: c.-278+4636C>T (NM_001172431.2); c.22+4108C>T (NM_000480.3).
Identifiers: ClinVar variation 302138 (VCV000302138.7), dbSNP rs2071019, ClinGen allele CA10633239.